The following is an entry in ClinVar:

NM_018230.3(NUP133):c.3299T>C (p.Ile1100Thr)

Gene: NUP133 (nucleoporin 133; minus strand). Cytogenetic location: 1q42.13.
Variant type: single nucleotide variant.
Coding change: c.3299T>C on transcript NM_018230.3 (MANE Select); coding-DNA position 3299, T replaced by C.
Protein change: p.Ile1100Thr; replaces isoleucine 1100 with threonine.
Molecular consequence: missense variant.
Genome position (GRCh38, 1-based): chr1:229,444,949, A>G on the plus strand (T>C on the coding strand, the complement: NUP133 is on the minus strand). VCF-style: chr1-229444949-A-G. GRCh37 (hg19) VCF-style: chr1-229580696-A-G.
Other names: short protein forms I1100T.
Identifiers: ClinVar variation 1029681 (VCV001029681.1), dbSNP rs146480140, ClinGen allele CA1443040.

ClinVar aggregate classification (germline): Uncertain significance (1 of 4 stars; one submission).

Conditions:
Nephrotic syndrome, type 18. Identifiers: MedGen C4748549, MONDO:0032581, OMIM 618177.

Allele frequency attached by ClinVar (database versions not stated): gnomAD 0.00001; gnomAD exomes 0.00001 and 0.00002; TOPMed 0.00001; ExAC 0.00002; ESP Exome Variant Server 0.00008.
gnomAD v4.1: 29 of 1,612,114 alleles (0.0018%); highest among the groups gnomAD compares: Middle Eastern, 0.38%; 2 homozygotes.

Submission:

Baylor Genetics
Classification: Uncertain significance for Nephrotic syndrome, type 18. Last evaluated: 2020-06-03. Review status: criteria provided, single submitter. Criteria: ACMG Guidelines, 2015. Collection method: clinical testing. Allele origin: unknown. Affected: yes.
Comment: This variant was determined to be of uncertain significance according to ACMG Guidelines, 2015 [PMID:25741868].